The following is an entry in ClinVar:

ClinVar aggregate classification (germline): Uncertain significance (1 of 4 stars; one submission).

Allele frequency attached by ClinVar (database versions not stated): gnomAD 0.00001; TOPMed 0.00002.
gnomAD v4.1: 1 of 1,604,762 alleles (0.000062%); highest among the groups gnomAD compares: Admixed American, 0.0017%; no homozygotes.

Submission:

Labcorp Genetics (formerly Invitae), Labcorp
Classification: Uncertain significance. Last evaluated: 2022-08-23. Review status: criteria provided, single submitter. Criteria: Invitae Variant Classification Sherloc (09022015). Collection method: clinical testing. Allele origin: germline.
Comment: In summary, the available evidence is currently insufficient to determine the role of this variant in disease. Therefore, it has been classified as a Variant of Uncertain Significance. Algorithms developed to predict the effect of missense changes on protein structure and function (SIFT, PolyPhen-2, Align-GVGD) all suggest that this variant is likely to be tolerated. This variant has not been reported in the literature in individuals affected with TJP2-related conditions. This variant is not present in population databases (gnomAD no frequency). This sequence change replaces leucine, which is neutral and non-polar, with methionine, which is neutral and non-polar, at codon 225 of the TJP2 protein (p.Leu225Met).

NM_004817.4(TJP2):c.673C>A (p.Leu225Met)

Gene: TJP2 (tight junction protein 2; plus strand). Cytogenetic location: 9q21.11.
Variant type: single nucleotide variant.
Coding change: c.673C>A on transcript NM_004817.4 (MANE Select); coding-DNA position 673, C replaced by A.
Protein change: p.Leu225Met; replaces leucine 225 with methionine.
Molecular consequence: missense variant.
Genome position (GRCh38, 1-based): chr9:69,221,217, C>A. VCF-style: chr9-69221217-C-A. GRCh37 (hg19) VCF-style: chr9-71836133-C-A.
Other names: c.604C>A, p.Leu202Met (NM_001170414.2, NM_001369870.1, NM_001369871.1); c.685C>A, p.Leu229Met (NM_001170415.1, NM_001369874.1, NM_001369875.1); c.766C>A, p.Leu256Met (NM_001170416.2); c.673C>A, p.Leu225Met (NM_001369872.1, NM_001369873.1, NM_201629.3); short protein forms L225M, L229M, L202M, L256M.
Identifiers: ClinVar variation 1933559 (VCV001933559.5), dbSNP rs1335558183, ClinGen allele CA373528975.
Genomic context (GRCh38, chr9:69,221,217, plus strand): 5'-CTGGACCAAGACCATGCGCGCACCCGAGACCGCAGCCGTGGCCGGAGCCTGGAGCGGGGC[C>A]TGGACCACGACTTTGGGCCATCCCGGGACCGGGACCGTGACCGCAGCCGCGGCCGGAGCA-3'
Protein context (NP_004808.2, residues 215-235): RSRGRSLERG[Leu225Met]DHDFGPSRDR